The following is an entry in ClinVar:

ClinVar aggregate classification (germline): Uncertain significance (1 of 4 stars; one submission).

Allele frequency attached by ClinVar (database versions not stated): gnomAD 0.00001; TOPMed 0.00002; gnomAD exomes 0.00005; 1000 Genomes Project 30x 0.00016; 1000 Genomes Project 0.00020; ExAC 0.00046.
gnomAD v4.1: 75 of 1,557,950 alleles (0.0048%); highest among the groups gnomAD compares: South Asian, 0.082%; 1 homozygote.

Submission:

GeneDx
Classification: Uncertain significance. Last evaluated: 2023-01-12. Review status: criteria provided, single submitter. Criteria: GeneDx Variant Classification Process June 2021. Collection method: clinical testing. Allele origin: germline. Affected: yes.
Comment: In silico analysis supports that this missense variant does not alter protein structure/function; Has not been previously published as pathogenic or benign to our knowledge

NM_000428.3(LTBP2):c.288G>C (p.Arg96Ser)

Gene: LTBP2 (latent transforming growth factor beta binding protein 2; minus strand). Cytogenetic location: 14q24.3.
Variant type: single nucleotide variant.
Coding change: c.288G>C on transcript NM_000428.3 (MANE Select); coding-DNA position 288, G replaced by C.
Protein change: p.Arg96Ser; replaces arginine 96 with serine.
Molecular consequence: missense variant.
Genome position (GRCh38, 1-based): chr14:74,611,657, C>G on the plus strand (G>C on the coding strand, the complement: LTBP2 is on the minus strand). VCF-style: chr14-74611657-C-G. GRCh37 (hg19) VCF-style: chr14-75078360-C-G.
Other names: short protein forms R96S.
Identifiers: ClinVar variation 2572919 (VCV002572919.1), dbSNP rs572393494, ClinGen allele CA7270234.